The following is an entry in ClinVar:

NM_004415.4(DSP):c.3390C>T (p.Asp1130=)

Gene: DSP (desmoplakin; plus strand). Cytogenetic location: 6p24.3.
Variant type: single nucleotide variant.
Coding change: c.3390C>T on transcript NM_004415.4 (MANE Select); coding-DNA position 3390, C replaced by T.
Protein change: p.Asp1130=; no amino-acid change (aspartic acid 1130 retained).
Molecular consequence: synonymous variant.
Genome position (GRCh38, 1-based): chr6:7,579,580, C>T. VCF-style: chr6-7579580-C-T. GRCh37 (hg19) VCF-style: chr6-7579813-C-T.
Other names: c.3390C>T, p.Asp1130= (NM_001008844.3, NM_001319034.2).
Identifiers: ClinVar variation 3071671 (VCV003071671.1), dbSNP rs2533923473, ClinGen allele CA448714461.
Genomic context (GRCh38, chr6:7,579,580, plus strand): 5'-GATCACCCGACTGACTTATGAGATTGAAGATGAAAAGAGAAGAAGAAAATCTGTGGAAGA[C>T]AGATTTGACCAACAGAAGAATGACTATGACCAACTGCAGAAAGCAAGGCAATGTGAAAAG-3'
Protein context (NP_004406.2, residues 1120-1140): DEKRRRKSVE[Asp1130=]RFDQQKNDYD

ClinVar aggregate classification (germline): Likely benign (1 of 4 stars; one submission).

Conditions:
Arrhythmogenic cardiomyopathy with wooly hair and keratoderma. Also called: PALMOPLANTAR KERATODERMA WITH LEFT VENTRICULAR CARDIOMYOPATHY AND WOOLLY HAIR; Carvajal syndrome; Dilated cardiomyopathy with woolly hair and keratoderma; Arrhythmogenic cardiomyopathy with woolly hair and keratoderma. Identifiers: Orphanet 65282, MedGen C1854063, MONDO:0011581, OMIM 605676.

Allele frequency attached by ClinVar (database versions not stated): gnomAD exomes below 0.00001.
gnomAD v4.1: 3 of 1,613,872 alleles (0.00019%); highest among the groups gnomAD compares: Non-Finnish European, 0.00025%; no homozygotes.

Submission:

All of Us Research Program, National Institutes of Health
Classification: Likely benign for Arrhythmogenic cardiomyopathy with wooly hair and keratoderma. Last evaluated: 2023-06-08. Review status: criteria provided, single submitter. Criteria: ACMG Guidelines, 2015. Collection method: clinical testing. Allele origin: germline. Inheritance: Autosomal dominant inheritance. Observed: 1 variant allele, 1 heterozygote.
Comment: This study involves interpretation of variants in research participants for the purpose of population health screening. Participant phenotype was not available at the time of variant classification. Additional details can be found in publication PMID: 35346344, PMCID: PMC8962531